The following is an entry in ClinVar:

NM_001201543.2(FAM161A):c.698T>C (p.Val233Ala)

Gene: FAM161A (FAM161 centrosomal protein A; minus strand). Cytogenetic location: 2p15.
Variant type: single nucleotide variant.
Coding change: c.698T>C on transcript NM_001201543.2 (MANE Select); coding-DNA position 698, T replaced by C.
Protein change: p.Val233Ala; replaces valine 233 with alanine.
Molecular consequence: missense variant. On other transcripts: non-coding transcript variant (1).
Genome position (GRCh38, 1-based): chr2:61,840,306, A>G on the plus strand (T>C on the coding strand, the complement: FAM161A is on the minus strand). VCF-style: chr2-61840306-A-G. GRCh37 (hg19) VCF-style: chr2-62067441-A-G.
Other names: c.698T>C, p.Val233Ala (NM_032180.3); c.698T>C (NM_032180.2); short protein forms V233A.
Identifiers: ClinVar variation 965386 (VCV000965386.9), dbSNP rs553732379, ClinGen allele CA1679306.

ClinVar aggregate classification (germline): Uncertain significance. Review status: criteria provided, multiple submitters, no conflicts (2 of 4 stars). 5 submissions from 5 submitters: Uncertain significance (4). 1 of the submissions does not count toward it. Last evaluated 2026-06-22.

Conditions:
Retinitis pigmentosa 28 (RP28). Identifiers: Orphanet 791, MedGen C1419614, MONDO:0011630, OMIM 606068.
FAM161A-related disorder. Also called: FAM161A-related condition.
Inborn genetic diseases. Identifiers: MedGen C0950123, MeSH D030342.

Allele frequency attached by ClinVar (database versions not stated): gnomAD 0.00001; TOPMed 0.00001; ExAC 0.00005; gnomAD exomes 0.00005 and 0.00006; 1000 Genomes Project 0.00020; 1000 Genomes Project 30x 0.00031.
gnomAD v4.1: 75 of 1,614,072 alleles (0.0046%); highest among the groups gnomAD compares: Admixed American, 0.015%; no homozygotes.

Submissions (5):

PreventionGenetics, part of Exact Sciences
Classification: Uncertain significance for FAM161A-related condition. Last evaluated: 2026-06-22. Review status: criteria provided, single submitter. Criteria: ACMG Guidelines, 2015. Collection method: clinical testing. Allele origin: germline.
Comment: The FAM161A c.698T>C variant is predicted to result in the amino acid substitution p.Val233Ala. To our knowledge, this variant has not been reported in the literature. This variant is reported in 0.020% of alleles in individuals of Latino descent in gnomAD. At this time, the clinical significance of this variant is uncertain due to the absence of conclusive functional and genetic evidence.

Labcorp Genetics (formerly Invitae), Labcorp
Classification: Uncertain significance. Last evaluated: 2024-10-15. Review status: criteria provided, single submitter. Criteria: Invitae Variant Classification Sherloc (09022015). Collection method: clinical testing. Allele origin: germline.
Comment: This sequence change replaces valine, which is neutral and non-polar, with alanine, which is neutral and non-polar, at codon 233 of the FAM161A protein (p.Val233Ala). This variant is present in population databases (rs553732379, gnomAD 0.02%). This variant has not been reported in the literature in individuals affected with FAM161A-related conditions. ClinVar contains an entry for this variant (Variation ID: 965386). Invitae Evidence Modeling of protein sequence and biophysical properties (such as structural, functional, and spatial information, amino acid conservation, physicochemical variation, residue mobility, and thermodynamic stability) has been performed for this missense variant. However, the output from this modeling did not meet the statistical confidence thresholds required to predict the impact of this variant on FAM161A protein function. In summary, the available evidence is currently insufficient to determine the role of this variant in disease. Therefore, it has been classified as a Variant of Uncertain Significance.

Blueprint Genetics
Classification: Uncertain significance. Last evaluated: 2021-10-18. Review status: criteria provided, single submitter. Criteria: ACMG Guidelines, 2015. Collection method: clinical testing. Allele origin: germline.

Ambry Genetics
Classification: Uncertain significance for Inborn genetic diseases. Last evaluated: 2021-09-17. Review status: criteria provided, single submitter. Criteria: Ambry Variant Classification Scheme 2023. Collection method: clinical testing. Allele origin: germline.

Natera, Inc.
Classification: Uncertain significance for Retinitis pigmentosa type 28. Last evaluated: 2020-06-14. Review status: no assertion criteria provided. Collection method: clinical testing. Allele origin: germline. Not counted in ClinVar's aggregate classification.